The following is an entry in ClinVar:

NM_016139.4(CHCHD2):c.73G>A (p.Ala25Thr)

Gene: CHCHD2 (coiled-coil-helix-coiled-coil-helix domain containing 2; minus strand). Cytogenetic location: 7p11.2.
Variant type: single nucleotide variant.
Coding change: c.73G>A on transcript NM_016139.4 (MANE Select); coding-DNA position 73, G replaced by A.
Protein change: p.Ala25Thr; replaces alanine 25 with threonine.
Molecular consequence: missense variant.
Genome position (GRCh38, 1-based): chr7:56,104,453, C>T on the plus strand (G>A on the coding strand, the complement: CHCHD2 is on the minus strand). VCF-style: chr7-56104453-C-T. GRCh37 (hg19) VCF-style: chr7-56172146-C-T.
Other names: c.73G>A, p.Ala25Thr (NM_001320327.2); short protein forms A25T.
Identifiers: ClinVar variation 2867798 (VCV002867798.3), dbSNP rs2535863602, ClinGen allele CA367613043.
Genomic context (GRCh38, chr7:56,104,453, plus strand): 5'-AGCCAACTGCAGATGGGGGTGCCGCTGCTGGTGGCTGAGCGACTGGTGCTGGCCTGGGTG[C>T]AGCTCTCATCTGAGGGGCCCGGCTGTGAAAGAAAAGAAAAAAACATCAAGTTCCCAATTC-3'
Protein context (NP_057223.1, residues 15-35): PASRAPQMRA[Ala25Thr]PRPAPVAQPP

ClinVar aggregate classification (germline): Uncertain significance (1 of 4 stars; one submission).

Submission:

Labcorp Genetics (formerly Invitae), Labcorp
Classification: Uncertain significance. Last evaluated: 2023-11-27. Review status: criteria provided, single submitter. Criteria: Invitae Variant Classification Sherloc (09022015). Collection method: clinical testing. Allele origin: germline.
Comment: This sequence change replaces alanine, which is neutral and non-polar, with threonine, which is neutral and polar, at codon 25 of the CHCHD2 protein (p.Ala25Thr). This variant is not present in population databases (gnomAD no frequency). This variant has not been reported in the literature in individuals affected with CHCHD2-related conditions. Experimental studies and prediction algorithms are not available or were not evaluated, and the functional significance of this variant is currently unknown. In summary, the available evidence is currently insufficient to determine the role of this variant in disease. Therefore, it has been classified as a Variant of Uncertain Significance.